The following is an entry in ClinVar:

ClinVar aggregate classification (germline): Likely benign (1 of 4 stars; one submission).

Allele frequency attached by ClinVar (database versions not stated): TOPMed 0.00004; gnomAD 0.00005; 1000 Genomes Project 0.00159; 1000 Genomes Project 30x 0.00187.

Submission:

GeneDx
Classification: Likely benign. Last evaluated: 2017-01-17. Review status: criteria provided, single submitter. Criteria: GeneDx Variant Classification (06012015). Collection method: clinical testing. Allele origin: germline. Affected: yes.
Comment: This variant is considered likely benign or benign based on one or more of the following criteria: it is a conservative change, it occurs at a poorly conserved position in the protein, it is predicted to be benign by multiple in silico algorithms, and/or has population frequency not consistent with disease.

NM_000052.7(ATP7A):c.-22+13T>C

Gene: ATP7A (ATPase copper transporting alpha; plus strand). Cytogenetic location: Xq21.1.
Variant type: single nucleotide variant.
Coding change: c.-22+13T>C on transcript NM_000052.7 (MANE Select); 13 bases into the intron after 22 bases upstream of the start codon, T replaced by C.
Molecular consequence: intron variant.
Genome position (GRCh38, 1-based): chrX:77,910,848, T>C. VCF-style: chrX-77910848-T-C. GRCh37 (hg19) VCF-style: chrX-77166345-T-C.
Other names: c.-22+13T>C (NM_001282224.2).
Identifiers: ClinVar variation 506790 (VCV000506790.1), dbSNP rs563965187, ClinGen allele CA331581471.